The following is an entry in ClinVar:

NM_001377540.1(SLMAP):c.2243G>A (p.Arg748Gln)

Gene: SLMAP (sarcolemma associated protein; plus strand). Cytogenetic location: 3p14.3.
Variant type: single nucleotide variant.
Coding change: c.2243G>A on transcript NM_001377540.1 (MANE Select); coding-DNA position 2243, G replaced by A.
Protein change: p.Arg748Gln; replaces arginine 748 with glutamine.
Molecular consequence: missense variant. On other transcripts: non-coding transcript variant (1).
Genome position (GRCh38, 1-based): chr3:57,917,010, G>A. VCF-style: chr3-57917010-G-A. GRCh37 (hg19) VCF-style: chr3-57902737-G-A.
Other names: c.2141G>A (NM_007159.2); c.2192G>A, p.Arg731Gln (NM_001304420.3, NM_001377541.1, NM_001377542.1); c.2078G>A, p.Arg693Gln (NM_001304421.2, NM_001377557.1, NM_001377559.1); c.794G>A, p.Arg265Gln (NM_001304422.3, NM_001311178.2); c.596G>A, p.Arg199Gln (NM_001304423.3); c.671G>A, p.Arg224Gln (NM_001311179.2, NM_001377926.1, NM_001377927.1); c.2264G>A, p.Arg755Gln (NM_001377538.1); c.2243G>A, p.Arg748Gln (NM_001377539.1); and 9 more; short protein forms R199Q, R673Q, R707Q, R714Q, R652Q, R686Q, R690Q, R710Q.
Identifiers: ClinVar variation 1432218 (VCV001432218.9), dbSNP rs141277984, ClinGen allele CA75413457.

ClinVar aggregate classification (germline): Uncertain significance. Review status: criteria provided, multiple submitters, no conflicts (2 of 4 stars). 2 submissions from 2 submitters: Uncertain significance (2). Last evaluated 2025-03-16.

Conditions:
Brugada syndrome. Also called: Sudden unexplained nocturnal death syndrome; Sudden unexpected nocturnal death syndrome; Sudden Unexplained Death Syndrome; Sudden Unexplained Nocturnal Death Syndrome (SUNDS). Identifiers: Orphanet 130, MedGen C1142166, MONDO:0015263.

Allele frequency attached by ClinVar (database versions not stated): gnomAD 0.00002; gnomAD exomes 0.00002 and 0.00004; TOPMed 0.00002; ESP Exome Variant Server 0.00008.
gnomAD v4.1: 63 of 1,613,738 alleles (0.0039%); highest among the groups gnomAD compares: East Asian, 0.045%; no homozygotes.

Submissions (2):

Labcorp Genetics (formerly Invitae), Labcorp
Classification: Uncertain significance for Brugada syndrome. Last evaluated: 2025-03-16. Review status: criteria provided, single submitter. Criteria: Invitae Variant Classification Sherloc (09022015). Collection method: clinical testing. Allele origin: germline.
Comment: This sequence change replaces arginine, which is basic and polar, with glutamine, which is neutral and polar, at codon 714 of the SLMAP protein (p.Arg714Gln). This variant is present in population databases (rs141277984, gnomAD 0.006%). This variant has not been reported in the literature in individuals affected with SLMAP-related conditions. ClinVar contains an entry for this variant (Variation ID: 1432218). An algorithm developed to predict the effect of missense changes on protein structure and function (PolyPhen-2) suggests that this variant is likely to be tolerated. In summary, the available evidence is currently insufficient to determine the role of this variant in disease. Therefore, it has been classified as a Variant of Uncertain Significance.

Ambry Genetics
Classification: Uncertain significance. Last evaluated: 2023-04-16. Review status: criteria provided, single submitter. Criteria: Ambry Variant Classification Scheme 2023. Collection method: clinical testing. Allele origin: germline.
Comment: The p.R714Q variant (also known as c.2141G>A), located in coding exon 19 of the SLMAP gene, results from a G to A substitution at nucleotide position 2141. The arginine at codon 714 is replaced by glutamine, an amino acid with highly similar properties. This amino acid position is conserved. In addition, this alteration is predicted to be tolerated by in silico analysis. Since supporting evidence is limited at this time, the clinical significance of this alteration remains unclear.